The following is an entry in ClinVar:

ClinVar aggregate classification (germline): Uncertain significance (1 of 4 stars; one submission).

Submission:

Labcorp Genetics (formerly Invitae), Labcorp
Classification: Uncertain significance. Last evaluated: 2023-11-25. Review status: criteria provided, single submitter. Criteria: Invitae Variant Classification Sherloc (09022015). Collection method: clinical testing. Allele origin: germline.
Comment: This sequence change creates a premature translational stop signal (p.Leu355Cysfs*25) in the GEN1 gene. It is expected to result in an absent or disrupted protein product. However, the current clinical and genetic evidence is not sufficient to establish whether loss-of-function variants in GEN1 cause disease. This variant is not present in population databases (gnomAD no frequency). This variant has not been reported in the literature in individuals affected with GEN1-related conditions. In summary, the available evidence is currently insufficient to determine the role of this variant in disease. Therefore, it has been classified as a Variant of Uncertain Significance.

NM_001130009.3(GEN1):c.1064del (p.Leu355fs)

Gene: GEN1 (GEN1 structure-specific endonuclease; plus strand). Cytogenetic location: 2p24.2.
Variant type: Deletion.
Coding change: c.1064del on transcript NM_001130009.3 (MANE Select); coding-DNA position 1064, one base deleted (T; older notation c.1064delT).
Protein change: p.Leu355fs; shifts the reading frame from leucine 355.
Molecular consequence: frameshift variant.
Genome position (GRCh38, 1-based): chr2:17,773,292, T deleted; the last of 2 consecutive T bases (chr2:17,773,291-17,773,292); deleting either gives the same sequence. VCF-style (leftmost placement, unchanged base first): chr2-17773290-AT-A. GRCh37 (hg19) VCF-style: chr2-17954557-AT-A.
Other names: c.1064del, p.Leu355fs (NM_182625.5); short protein forms L355fs.
Identifiers: ClinVar variation 2698909 (VCV002698909.3), dbSNP rs2545590011, ClinGen allele CA2697547833.